The following is an entry in ClinVar:

ClinVar aggregate classification (germline): Uncertain significance. Review status: criteria provided, multiple submitters, no conflicts (2 of 4 stars). 2 submissions from 2 submitters: Uncertain significance (2). Last evaluated 2024-11-21.

Conditions:
Mosaic variegated aneuploidy syndrome 2 (MVA2). Identifiers: Orphanet 1052, MedGen C3279843, MONDO:0013582, OMIM 614114.
Inborn genetic diseases. Identifiers: MedGen C0950123, MeSH D030342.

Allele frequency attached by ClinVar (database versions not stated): gnomAD exomes below 0.00001; TOPMed below 0.00001.
gnomAD v4.1: 3 of 1,614,014 alleles (0.00019%); highest among the groups gnomAD compares: Non-Finnish European, 0.00025%; no homozygotes.

Submissions (2):

Ambry Genetics
Classification: Uncertain significance for Inborn genetic diseases. Last evaluated: 2024-11-21. Review status: criteria provided, single submitter. Criteria: Ambry Variant Classification Scheme 2023. Collection method: clinical testing. Allele origin: germline.
Comment: The p.R99S variant (also known as c.297A>T), located in coding exon 3 of the CEP57 gene, results from an A to T substitution at nucleotide position 297. The arginine at codon 99 is replaced by serine, an amino acid with dissimilar properties. This amino acid position is conserved. In addition, this alteration is predicted to be tolerated by in silico analysis. Based on the available evidence, the clinical significance of this variant remains unclear.

Labcorp Genetics (formerly Invitae), Labcorp
Classification: Uncertain significance for Mosaic variegated aneuploidy syndrome 2. Last evaluated: 2024-10-24. Review status: criteria provided, single submitter. Criteria: Invitae Variant Classification Sherloc (09022015). Collection method: clinical testing. Allele origin: germline.
Comment: This sequence change replaces arginine, which is basic and polar, with serine, which is neutral and polar, at codon 99 of the CEP57 protein (p.Arg99Ser). This variant is not present in population databases (gnomAD no frequency). This variant has not been reported in the literature in individuals affected with CEP57-related conditions. ClinVar contains an entry for this variant (Variation ID: 2071135). Invitae Evidence Modeling of protein sequence and biophysical properties (such as structural, functional, and spatial information, amino acid conservation, physicochemical variation, residue mobility, and thermodynamic stability) indicates that this missense variant is not expected to disrupt CEP57 protein function with a negative predictive value of 80%. In summary, the available evidence is currently insufficient to determine the role of this variant in disease. Therefore, it has been classified as a Variant of Uncertain Significance.

NM_014679.5(CEP57):c.297A>T (p.Arg99Ser)

Gene: CEP57 (centrosomal protein 57; plus strand). Cytogenetic location: 11q21.
Variant type: single nucleotide variant.
Coding change: c.297A>T on transcript NM_014679.5 (MANE Select); coding-DNA position 297, A replaced by T.
Protein change: p.Arg99Ser; replaces arginine 99 with serine.
Molecular consequence: missense variant.
Genome position (GRCh38, 1-based): chr11:95,813,026, A>T. VCF-style: chr11-95813026-A-T. GRCh37 (hg19) VCF-style: chr11-95546190-A-T.
Other names: c.270A>T, p.Arg90Ser (NM_001243776.2); c.297A>T, p.Arg99Ser (NM_001243777.2); c.216A>T, p.Arg72Ser (NM_001363604.2); c.297A>T (NM_014679.4); short protein forms R90S, R99S, R72S.
Identifiers: ClinVar variation 2071135 (VCV002071135.5), dbSNP rs1227554215, ClinGen allele CA382420489.